The following is an entry in ClinVar:

ClinVar aggregate classification (germline): Uncertain significance. Review status: criteria provided, multiple submitters, no conflicts (2 of 4 stars). 2 submissions from 2 submitters: Uncertain significance (2). Last evaluated 2026-02-11.

Conditions:
Tuberous sclerosis 1 (TSC1). Identifiers: Orphanet 805, MedGen C1854465, MONDO:0008612, OMIM 191100.
Hereditary cancer-predisposing syndrome. Also called: Neoplastic Syndromes, Hereditary; Tumor predisposition; Hereditary Cancer Syndrome; Hereditary neoplastic syndrome. Identifiers: Orphanet 140162, MedGen C0027672, MeSH D009386, MONDO:0015356.

Allele frequency attached by ClinVar (database versions not stated): gnomAD exomes below 0.00001.
gnomAD v4.1: 1 of 1,614,166 alleles (0.000062%); highest among the groups gnomAD compares: Non-Finnish European, 0.000085%; no homozygotes.

Submissions (2):

Ambry Genetics
Classification: Uncertain significance for Hereditary cancer-predisposing syndrome. Last evaluated: 2026-02-11. Review status: criteria provided, single submitter. Criteria: Ambry Variant Classification Scheme 2023. Collection method: clinical testing. Allele origin: germline.
Comment: The p.G1149R variant (also known as c.3445G>A), located in coding exon 21 of the TSC1 gene, results from a G to A substitution at nucleotide position 3445. The glycine at codon 1149 is replaced by arginine, an amino acid with dissimilar properties. This amino acid position is highly conserved in available vertebrate species. In addition, this alteration is predicted to be deleterious by in silico analysis. Based on the available evidence, the clinical significance of this variant remains unclear.

Labcorp Genetics (formerly Invitae), Labcorp
Classification: Uncertain significance for Tuberous sclerosis 1. Last evaluated: 2022-06-14. Review status: criteria provided, single submitter. Criteria: Invitae Variant Classification Sherloc (09022015). Collection method: clinical testing. Allele origin: germline.
Comment: This variant is not present in population databases (gnomAD no frequency). This variant has not been reported in the literature in individuals affected with TSC1-related conditions. Algorithms developed to predict the effect of missense changes on protein structure and function are either unavailable or do not agree on the potential impact of this missense change (SIFT: "Deleterious"; PolyPhen-2: "Probably Damaging"; Align-GVGD: "Class C0"). In summary, the available evidence is currently insufficient to determine the role of this variant in disease. Therefore, it has been classified as a Variant of Uncertain Significance. This sequence change replaces glycine, which is neutral and non-polar, with arginine, which is basic and polar, at codon 1149 of the TSC1 protein (p.Gly1149Arg).

NM_000368.5(TSC1):c.3445G>A (p.Gly1149Arg)

Gene: TSC1 (TSC complex subunit 1; minus strand). Cytogenetic location: 9q34.13.
Variant type: single nucleotide variant.
Coding change: c.3445G>A on transcript NM_000368.5 (MANE Select); coding-DNA position 3445, G replaced by A.
Protein change: p.Gly1149Arg; replaces glycine 1149 with arginine.
Molecular consequence: missense variant.
Genome position (GRCh38, 1-based): chr9:132,896,285, C>T on the plus strand (G>A on the coding strand, the complement: TSC1 is on the minus strand). VCF-style: chr9-132896285-C-T. GRCh37 (hg19) VCF-style: chr9-135771672-C-T.
Other names: c.3445G>A, p.Gly1149Arg (NM_001406592.1, NM_001406593.1, NM_001406594.1 and 2 more transcripts); c.3442G>A, p.Gly1148Arg (NM_001406597.1, NM_001406598.1, NM_001406599.1 and 2 more transcripts); c.3430G>A, p.Gly1144Arg (NM_001406601.1, NM_001406602.1); c.3289G>A, p.Gly1097Arg (NM_001406611.1, NM_001406612.1); c.3247G>A, p.Gly1083Arg (NM_001406613.1); c.3082G>A, p.Gly1028Arg (NM_001406614.1, NM_001406615.1, NM_001406616.1 and 4 more transcripts); c.3079G>A, p.Gly1027Arg (NM_001406620.1, NM_001406621.1, NM_001406622.1 and 1 more transcripts); c.3292G>A, p.Gly1098Arg (NM_001162427.2, NM_001406610.1); and 8 more; short protein forms G1014R, G1083R, G1144R, G1027R, G1028R, G1098R, G1134R, G1135R.
Identifiers: ClinVar variation 1949081 (VCV001949081.6), dbSNP rs2131586970, ClinGen allele CA375366365.